The following is an entry in ClinVar:

ClinVar aggregate classification (germline): Uncertain significance (1 of 4 stars; one submission).

Conditions:
Hereditary pheochromocytoma and paraganglioma. Also called: Hereditary pheochromocytoma-paraganglioma; Hereditary paragangliomas and pheochromocytomas; Hereditary Paraganglioma-Pheochromocytoma Syndromes. Identifiers: Orphanet 29072, MedGen C4274332, MONDO:0017366.

Submission:

Labcorp Genetics (formerly Invitae), Labcorp
Classification: Uncertain significance for Hereditary pheochromocytoma and paraganglioma. Last evaluated: 2022-09-15. Review status: criteria provided, single submitter. Criteria: Invitae Variant Classification Sherloc (09022015). Collection method: clinical testing. Allele origin: germline.
Comment: This variant has not been reported in the literature in individuals affected with SDHAF2-related conditions. This variant is not present in population databases (gnomAD no frequency). This sequence change replaces leucine, which is neutral and non-polar, with glutamine, which is neutral and polar, at codon 12 of the SDHAF2 protein (p.Leu12Gln). Algorithms developed to predict the effect of missense changes on protein structure and function (SIFT, PolyPhen-2, Align-GVGD) all suggest that this variant is likely to be tolerated. In summary, the available evidence is currently insufficient to determine the role of this variant in disease. Therefore, it has been classified as a Variant of Uncertain Significance. Algorithms developed to predict the effect of sequence changes on RNA splicing suggest that this variant may disrupt the consensus splice site.

NM_017841.4(SDHAF2):c.35T>A (p.Leu12Gln)

Gene: SDHAF2 (succinate dehydrogenase complex assembly factor 2; plus strand). Cytogenetic location: 11q12.2.
Variant type: single nucleotide variant.
Coding change: c.35T>A on transcript NM_017841.4 (MANE Select); coding-DNA position 35, T replaced by A.
Protein change: p.Leu12Gln; replaces leucine 12 with glutamine.
Molecular consequence: missense variant.
Genome position (GRCh38, 1-based): chr11:61,430,181, T>A. VCF-style: chr11-61430181-T-A. GRCh37 (hg19) VCF-style: chr11-61197653-T-A.
Other names: short protein forms L12Q.
Identifiers: ClinVar variation 1718845 (VCV001718845.5), dbSNP rs1590759677, ClinGen allele CA380680219.